The following is an entry in ClinVar:

ClinVar aggregate classification (germline): Conflicting classifications of pathogenicity. Review status: criteria provided, conflicting classifications (1 of 4 stars). 4 submissions from 4 submitters: Pathogenic (2); Uncertain significance (1). 1 of the submissions does not count toward it. Last evaluated 2020-05-26.

Conditions:
Joubert syndrome 37. Identifiers: MedGen C5543064, MONDO:0030933, OMIM 619185.
Joubert syndrome. Also called: Familial aplasia of the vermis; CEREBELLOPARENCHYMAL DISORDER IV; JOUBERT-BOLTSHAUSER SYNDROME. Identifiers: Orphanet 475, MedGen C5979921, MONDO:0018772.

Allele frequency attached by ClinVar (database versions not stated): gnomAD exomes below 0.00001 and 0.00001; ExAC 0.00002.

Submissions (4):

UW Hindbrain Malformation Research Program, University of Washington
Classification: Pathogenic for Joubert syndrome. Last evaluated: 2020-05-26. Review status: criteria provided, single submitter. Criteria: Latour BL et al. (J Clin Invest 2020). Collection method: research. Allele origin: unknown. Affected: yes.

Cambridge Genomics Laboratory, East Genomic Laboratory Hub, NHS Genomic Medicine Service
Classification: Uncertain significance for Joubert syndrome. Last evaluated: 2020-03-02. Review status: criteria provided, single submitter. Criteria: ACGS Best Practice Guidelines for Variant Classification in Rare Disease 2020. Collection method: clinical testing. Allele origin: germline. Affected: yes. Observed: 1 variant allele.

Suma Genomics
Classification: Pathogenic for Joubert syndrome 37. Review status: criteria provided, single submitter. Criteria: ACMG Guidelines, 2015. Collection method: clinical testing. Allele origin: germline. Inheritance: Autosomal recessive inheritance. Affected: yes. Observed: 1 homozygote.
Comment: A stop-gain variant c.5182C>T, p.(Arg1728Ter) is observed in exon 20 of TOGARAM1 in homozygous state. This variant is observed in 16 individuals in the gnomAD database in heterozygous state. ACMG classification: PVS1, PM2_supporting and PM3

University of Washington Center for Mendelian Genomics, University of Washington
Classification: Likely pathogenic for Joubert syndrome. Review status: no assertion criteria provided. Collection method: research. Allele origin: unknown. Affected: yes. Not counted in ClinVar's aggregate classification.

Literature cited by the submitters: PubMed 32453716 (cited by University of Washington Center for Mendelian Genomics, University of Washington).

NM_001308120.2(TOGARAM1):c.5182C>T (p.Arg1728Ter)

Gene: TOGARAM1 (TOG array regulator of axonemal microtubules 1; plus strand). Cytogenetic location: 14q21.2.
Variant type: single nucleotide variant.
Coding change: c.5182C>T on transcript NM_001308120.2 (MANE Select); coding-DNA position 5182, C replaced by T.
Protein change: p.Arg1728Ter; replaces arginine 1728 with a stop codon.
Molecular consequence: nonsense. On other transcripts: non-coding transcript variant (1).
Genome position (GRCh38, 1-based): chr14:45,073,421, C>T. VCF-style: chr14-45073421-C-T. GRCh37 (hg19) VCF-style: chr14-45542624-C-T.
Other names: c.5023C>T, p.Arg1675Ter (NM_015091.4); short protein forms R1675*, R1728*.
Identifiers: ClinVar variation 979060 (VCV000979060.5), dbSNP rs745704336, ClinGen allele CA7167930.
Genomic context (GRCh38, chr14:45,073,421, plus strand): 5'-TGGCATCTCTTAGGAAATATGACAAATAGTGGCTCTCTGCCTGGAGCTGGAGGAAATATA[C>T]GAACAGCCACAGCTAAATTATCAAAAGCACTCTTTGCACAGATGGGTCAGAATCTGTTAA-3'